The following is an entry in ClinVar:

NM_172232.4(ABCA5):c.1605T>C (p.Asp535=)

Gene: ABCA5 (ATP binding cassette subfamily A member 5; minus strand). Cytogenetic location: 17q24.3.
Variant type: single nucleotide variant.
Coding change: c.1605T>C on transcript NM_172232.4 (MANE Select); coding-DNA position 1605, T replaced by C.
Protein change: p.Asp535=; no amino-acid change (aspartic acid 535 retained).
Molecular consequence: synonymous variant.
Genome position (GRCh38, 1-based): chr17:69,291,217, A>G on the plus strand (T>C on the coding strand, the complement: ABCA5 is on the minus strand). VCF-style: chr17-69291217-A-G. GRCh37 (hg19) VCF-style: chr17-67287358-A-G.
Other names: c.1605T>C, p.Asp535= (NM_018672.5).
Identifiers: ClinVar variation 4999961 (VCV004999961.1).

ClinVar aggregate classification (germline): Benign (1 of 4 stars; one submission).

Conditions:
ABCA5-related disorder. Also called: ABCA5-related condition.

gnomAD v4.1: 67,091 of 1,573,182 alleles (4.3%); highest among the groups gnomAD compares: South Asian, 7.9%; 1,733 homozygotes.

Submission:

PreventionGenetics, part of Exact Sciences
Classification: Benign for ABCA5-related condition. Last evaluated: 2024-11-03. Review status: criteria provided, single submitter. Criteria: ACMG Guidelines, 2015. Collection method: clinical testing. Allele origin: germline.
Comment: This variant is classified as benign based on ACMG/AMP sequence variant interpretation guidelines (Richards et al. 2015 PMID: 25741868, with internal and published modifications).